The following is an entry in ClinVar:

NM_001042492.3(NF1):c.2379C>T (p.Asn793=)

Gene: NF1 (neurofibromin 1; plus strand). Cytogenetic location: 17q11.2.
Variant type: single nucleotide variant.
Coding change: c.2379C>T on transcript NM_001042492.3 (MANE Select); coding-DNA position 2379, C replaced by T.
Protein change: p.Asn793=; no amino-acid change (asparagine 793 retained).
Molecular consequence: synonymous variant.
Genome position (GRCh38, 1-based): chr17:31,227,576, C>T. VCF-style: chr17-31227576-C-T. GRCh37 (hg19) VCF-style: chr17-29554594-C-T.
Other names: c.2379C>T, p.Asn793= (NM_000267.4).
Identifiers: ClinVar variation 484004 (VCV000484004.14), dbSNP rs1555614006, ClinGen allele CA499226239.

ClinVar aggregate classification (germline): Benign/Likely benign. Review status: criteria provided, multiple submitters, no conflicts (2 of 4 stars). 4 submissions from 4 submitters: Benign (1); Likely benign (3). Last evaluated 2026-09-28.

Conditions:
Cardiovascular phenotype. Identifiers: MedGen CN230736.
Hereditary cancer-predisposing syndrome. Also called: Tumor predisposition; Neoplastic Syndromes, Hereditary; Hereditary Cancer Syndrome; Hereditary neoplastic syndrome. Identifiers: Orphanet 140162, MedGen C0027672, MeSH D009386, MONDO:0015356.
Neurofibromatosis, type 1 (NF1). Also called: NEUROFIBROMATOSIS, TYPE I, SOMATIC; Peripheral type neurofibromatosis; VON RECKLINGHAUSEN DISEASE; Neurofibromatosis, type I. Identifiers: Orphanet 636, MedGen C0027831, MONDO:0018975, OMIM 162200. Disease mechanism: loss of function.

Submissions (4):

Myriad Genetics, Inc.
Classification: Benign for Neurofibromatosis, type 1. Last evaluated: 2026-09-28. Review status: criteria provided, single submitter. Criteria: Myriad Autosomal Dominant, Autosomal Recessive and X-Linked Classification Criteria (2023). Collection method: clinical testing. Allele origin: unknown.
Comment: This variant is considered benign. This variant is a silent/synonymous amino acid change and it is not expected to impact splicing.

Labcorp Genetics (formerly Invitae), Labcorp
Classification: Likely benign for Neurofibromatosis, type 1. Last evaluated: 2025-12-18. Review status: criteria provided, single submitter. Criteria: Invitae Variant Classification Sherloc (09022015). Collection method: clinical testing. Allele origin: germline.

Genome-Nilou Lab
Classification: Likely benign for Neurofibromatosis, type 1. Last evaluated: 2022-03-15. Review status: criteria provided, single submitter. Criteria: ACMG Guidelines, 2015. Collection method: clinical testing. Allele origin: germline. Affected: no.

Ambry Genetics
Classification: Likely benign for Cardiovascular phenotype; Hereditary cancer-predisposing syndrome. Last evaluated: 2016-05-26. Review status: criteria provided, single submitter. Criteria: Ambry Variant Classification Scheme 2023. Collection method: clinical testing. Allele origin: germline.